The following is an entry in ClinVar:

ClinVar aggregate classification (germline): Uncertain significance (1 of 4 stars; one submission).

Conditions:
Werner syndrome (WRN). Identifiers: Orphanet 902, MedGen C0043119, MONDO:0010196, OMIM 277700.

Submission:

Labcorp Genetics (formerly Invitae), Labcorp
Classification: Uncertain significance for Werner syndrome. Last evaluated: 2017-04-20. Review status: criteria provided, single submitter. Criteria: Invitae Variant Classification Sherloc (09022015). Collection method: clinical testing. Allele origin: germline.
Comment: This variant is not present in population databases (ExAC no frequency) and has not been reported in the literature in individuals with a WRN-related disease. In summary, this variant is a novel missense change with uncertain impact on protein function. It has been classified as a Variant of Uncertain Significance. Algorithms developed to predict the effect of missense changes on protein structure and function (SIFT, PolyPhen-2, Align-GVGD) all suggest that this variant is likely to be disruptive, but these predictions have not been confirmed by published functional studies. This sequence change replaces leucine with proline at codon 694 of the WRN protein (p.Leu694Pro). The leucine residue is highly conserved and there is a moderate physicochemical difference between leucine and proline.

NM_000553.6(WRN):c.2081T>C (p.Leu694Pro)

Gene: WRN (WRN RecQ like helicase; plus strand). Cytogenetic location: 8p12.
Variant type: single nucleotide variant.
Coding change: c.2081T>C on transcript NM_000553.6 (MANE Select); coding-DNA position 2081, T replaced by C.
Protein change: p.Leu694Pro; replaces leucine 694 with proline.
Molecular consequence: missense variant.
Genome position (GRCh38, 1-based): chr8:31,100,948, T>C. VCF-style: chr8-31100948-T-C. GRCh37 (hg19) VCF-style: chr8-30958464-T-C.
Other names: short protein forms L694P.
Identifiers: ClinVar variation 458398 (VCV000458398.3), dbSNP rs1554524567, ClinGen allele CA370908994.
Genomic context (GRCh38, chr8:31,100,948, plus strand): 5'-CTGAGTGGGGGCATGATTTTAGGGATTCATTCAGGAAGTTGGGCTCCCTAAAGACAGCAC[T>C]GCCAATGGTAAGCTTTGCCAAGTCTGATGTCCCGAAATTACATTCTTAATAAGGAGAGCA-3'
Protein context (NP_000544.2, residues 684-704): FRKLGSLKTA[Leu694Pro]PMVPIVALTA